The following is an entry in ClinVar:

ClinVar aggregate classification (germline): Uncertain significance (1 of 4 stars; one submission).

Conditions:
Hereditary cancer-predisposing syndrome. Also called: Tumor predisposition; Hereditary Cancer Syndrome; Hereditary neoplastic syndrome; Neoplastic Syndromes, Hereditary. Identifiers: Orphanet 140162, MedGen C0027672, MeSH D009386, MONDO:0015356.

Submission:

Ambry Genetics
Classification: Uncertain significance for Hereditary cancer-predisposing syndrome. Last evaluated: 2024-04-12. Review status: criteria provided, single submitter. Criteria: Ambry Variant Classification Scheme 2023. Collection method: clinical testing. Allele origin: germline.
Comment: The p.Q1369P variant (also known as c.4106A>C), located in coding exon 28 of the ALK gene, results from an A to C substitution at nucleotide position 4106. The glutamine at codon 1369 is replaced by proline, an amino acid with similar properties. This amino acid position is conserved. In addition, the in silico prediction for this alteration is inconclusive. Based on the available evidence, the clinical significance of this variant remains unclear.

NM_004304.5(ALK):c.4106A>C (p.Gln1369Pro)

Gene: ALK (ALK receptor tyrosine kinase; minus strand). Cytogenetic location: 2p23.2.
Variant type: single nucleotide variant.
Coding change: c.4106A>C on transcript NM_004304.5 (MANE Select); coding-DNA position 4106, A replaced by C.
Protein change: p.Gln1369Pro; replaces glutamine 1369 with proline.
Molecular consequence: missense variant.
Genome position (GRCh38, 1-based): chr2:29,196,828, T>G on the plus strand (A>C on the coding strand, the complement: ALK is on the minus strand). VCF-style: chr2-29196828-T-G. GRCh37 (hg19) VCF-style: chr2-29419694-T-G.
Other names: c.902A>C, p.Gln301Pro (NM_001353765.2); short protein forms Q301P, Q1369P.
Identifiers: ClinVar variation 3285287 (VCV003285287.1).
Genomic context (GRCh38, chr2:29,196,828, plus strand): 5'-ACCTGGGTGCAGTATTCAATCCTCTCCAAAATGATGGCAAAGTTGGGCCTGTCTTCAGGC[T>G]GATGTTGCCAGCACTGAGTCATTATCCGGTATCTAAAAGAAGAAGCACATTAATTAAAAT-3'
Protein context (NP_004295.2, residues 1359-1379): YRIMTQCWQH[Gln1369Pro]PEDRPNFAII